The following is an entry in ClinVar:

NM_001130823.3(DNMT1):c.2010C>T (p.Gly670=)

Gene: DNMT1 (DNA methyltransferase 1; minus strand). Cytogenetic location: 19p13.2.
Variant type: single nucleotide variant.
Coding change: c.2010C>T on transcript NM_001130823.3 (MANE Select); coding-DNA position 2010, C replaced by T.
Protein change: p.Gly670=; no amino-acid change (glycine 670 retained).
Molecular consequence: synonymous variant.
Genome position (GRCh38, 1-based): chr19:10,154,302, G>A on the plus strand (C>T on the coding strand, the complement: DNMT1 is on the minus strand). VCF-style: chr19-10154302-G-A. GRCh37 (hg19) VCF-style: chr19-10264978-G-A.
Other names: c.1962C>T, p.Gly654= (NM_001318730.2, NM_001379.4); c.1647C>T, p.Gly549= (NM_001318731.2); c.2010C>T (NM_001130823.2, LRG_362t1).
Identifiers: ClinVar variation 388339 (VCV000388339.14), dbSNP rs374476495, ClinGen allele CA9188153.

ClinVar aggregate classification (germline): Benign/Likely benign. Review status: criteria provided, multiple submitters, no conflicts (2 of 4 stars). 4 submissions from 4 submitters: Benign (1); Likely benign (2). 1 of the submissions does not count toward it. Last evaluated 2025-02-27.

Conditions:
Hereditary sensory neuropathy-deafness-dementia syndrome. Also called: HSN IE; Hereditary sensory neuropathy type IE; Hereditary Sensory and Autonomic Neuropathy Type 1E (HSAN1E); NEUROPATHY, HEREDITARY SENSORY, WITH HEARING LOSS AND DEMENTIA. Identifiers: Orphanet 456318, MedGen C3279885, MONDO:0013584, OMIM 614116.
DNMT1-related disorder. Also called: DNMT1-related condition. Identifiers: MedGen CN381527.

Allele frequency attached by ClinVar (database versions not stated): gnomAD exomes 0.00008; ExAC 0.00009; ESP Exome Variant Server 0.00015; TOPMed 0.00022; gnomAD 0.00025 and 0.00027.
gnomAD v4.1: 100 of 1,614,068 alleles (0.0062%); highest among the groups gnomAD compares: African/African-American, 0.096%; no homozygotes.

Submissions (4):

Labcorp Genetics (formerly Invitae), Labcorp
Classification: Benign for Hereditary sensory neuropathy-deafness-dementia syndrome. Last evaluated: 2025-02-27. Review status: criteria provided, single submitter. Criteria: Invitae Variant Classification Sherloc (09022015). Collection method: clinical testing. Allele origin: germline.

Blueprint Genetics
Classification: Likely benign. Last evaluated: 2024-02-01. Review status: criteria provided, single submitter. Criteria: ACMG Guidelines, 2015. Collection method: clinical testing. Allele origin: germline.

GeneDx
Classification: Likely benign. Last evaluated: 2019-08-13. Review status: criteria provided, single submitter. Criteria: GeneDx Variant Classification Process June 2021. Collection method: clinical testing. Allele origin: germline. Affected: yes.

PreventionGenetics, part of Exact Sciences
Classification: Likely benign for DNMT1-related condition. Last evaluated: 2019-03-05. Review status: no assertion criteria provided. Collection method: clinical testing. Allele origin: germline. Not counted in ClinVar's aggregate classification.
Comment: This variant is classified as likely benign based on ACMG/AMP sequence variant interpretation guidelines (Richards et al. 2015 PMID: 25741868, with internal and published modifications).